The following is an entry in ClinVar:

ClinVar aggregate classification (germline): Uncertain significance (1 of 4 stars; one submission).

Conditions:
Cardiovascular phenotype. Identifiers: MedGen CN230736.

Allele frequency attached by ClinVar (database versions not stated): gnomAD 0.00001; gnomAD exomes below 0.00001; TOPMed 0.00002.
gnomAD v4.1: 2 of 1,614,010 alleles (0.00012%); highest among the groups gnomAD compares: African/African-American, 0.0027%; no homozygotes.

Submission:

Ambry Genetics
Classification: Uncertain significance for Cardiovascular phenotype. Last evaluated: 2025-11-25. Review status: criteria provided, single submitter. Criteria: Ambry Variant Classification Scheme 2023. Collection method: clinical testing. Allele origin: germline.
Comment: The p.M973L variant (also known as c.2917A>C), located in coding exon 27 of the ANK2 gene, results from an A to C substitution at nucleotide position 2917. The methionine at codon 973 is replaced by leucine, an amino acid with highly similar properties. This amino acid position is highly conserved in available vertebrate species. In addition, the in silico prediction for this alteration is inconclusive. Since supporting evidence is limited at this time, the clinical significance of this alteration remains unclear.

NM_001148.6(ANK2):c.2917A>C (p.Met973Leu)

Gene: ANK2 (ankyrin 2; plus strand). Cytogenetic location: 4q26.
Variant type: single nucleotide variant.
Coding change: c.2917A>C on transcript NM_001148.6 (MANE Select); coding-DNA position 2917, A replaced by C.
Protein change: p.Met973Leu; replaces methionine 973 with leucine.
Molecular consequence: missense variant.
Genome position (GRCh38, 1-based): chr4:113,330,262, A>C. VCF-style: chr4-113330262-A-C. GRCh37 (hg19) VCF-style: chr4-114251418-A-C.
Other names: c.2890A>C, p.Met964Leu (NM_001127493.3); c.2929A>C, p.Met977Leu (NM_001354225.2); c.2917A>C, p.Met973Leu (NM_001354228.2, NM_020977.5, NM_001354258.2); c.2995A>C, p.Met999Leu (NM_001354230.2, NM_001354237.2); c.2959A>C, p.Met987Leu (NM_001354231.2, NM_001354242.2); c.2953A>C, p.Met985Leu (NM_001354232.2); c.2914A>C, p.Met972Leu (NM_001354235.2, NM_001354236.2, NM_001354246.2 and 1 more transcripts); c.2887A>C, p.Met963Leu (NM_001354239.2, NM_001354252.2, NM_001354272.2); and 23 more; short protein forms M845L, M906L, M939L, M940L, M956L, M961L, M963L, M964L.
Identifiers: ClinVar variation 1797634 (VCV001797634.3), dbSNP rs965893148, ClinGen allele CA103822564.